The following is an entry in ClinVar:

NM_001271.4(CHD2):c.1720-3T>C

Gene: CHD2 (chromodomain helicase DNA binding protein 2; plus strand). Cytogenetic location: 15q26.1.
Variant type: single nucleotide variant.
Coding change: c.1720-3T>C on transcript NM_001271.4 (MANE Select); 3 bases into the intron before coding-DNA position 1720, T replaced by C.
Molecular consequence: intron variant.
Genome position (GRCh38, 1-based): chr15:92,955,420, T>C. VCF-style: chr15-92955420-T-C. GRCh37 (hg19) VCF-style: chr15-93498650-T-C.
Identifiers: ClinVar variation 511514 (VCV000511514.7), dbSNP rs759231634, ClinGen allele CA7747860.

ClinVar aggregate classification (germline): Conflicting classifications of pathogenicity. Review status: criteria provided, conflicting classifications (1 of 4 stars). 2 submissions from 2 submitters: Uncertain significance (1); Likely benign (1). Last evaluated 2024-04-12.

Conditions:
Developmental and epileptic encephalopathy 94 (DEE94). Also called: CHD2-Related Neurodevelopmental Disorders; Epileptic encephalopathy, childhood-onset. Identifiers: Orphanet 1942, Orphanet 2382, MedGen C3809278, MONDO:0014150, OMIM 615369.

Allele frequency attached by ClinVar (database versions not stated): gnomAD below 0.00001 and 0.00002; TOPMed 0.00001; gnomAD exomes 0.00002; ExAC 0.00004.
gnomAD v4.1: 35 of 1,551,054 alleles (0.0023%); highest among the groups gnomAD compares: South Asian, 0.032%; no homozygotes.

Submissions (2):

Labcorp Genetics (formerly Invitae), Labcorp
Classification: Uncertain significance for Developmental and epileptic encephalopathy 94. Last evaluated: 2024-04-12. Review status: criteria provided, single submitter. Criteria: Invitae Variant Classification Sherloc (09022015). Collection method: clinical testing. Allele origin: germline.
Comment: This sequence change falls in intron 14 of the CHD2 gene. It does not directly change the encoded amino acid sequence of the CHD2 protein. It affects a nucleotide within the consensus splice site. This variant is present in population databases (rs759231634, gnomAD 0.02%). This variant has not been reported in the literature in individuals affected with CHD2-related conditions. ClinVar contains an entry for this variant (Variation ID: 511514). Variants that disrupt the consensus splice site are a relatively common cause of aberrant splicing (PMID: 17576681, 9536098). Algorithms developed to predict the effect of sequence changes on RNA splicing suggest that this variant is not likely to affect RNA splicing. In summary, the available evidence is currently insufficient to determine the role of this variant in disease. Therefore, it has been classified as a Variant of Uncertain Significance.

GeneDx
Classification: Likely benign. Last evaluated: 2017-08-17. Review status: criteria provided, single submitter. Criteria: GeneDx Variant Classification (06012015). Collection method: clinical testing. Allele origin: germline. Affected: yes.
Comment: This variant is considered likely benign or benign based on one or more of the following criteria: it is a conservative change, it occurs at a poorly conserved position in the protein, it is predicted to be benign by multiple in silico algorithms, and/or has population frequency not consistent with disease.

Literature cited by the submitters: PubMed 17576681 (cited by Labcorp Genetics (formerly Invitae), Labcorp); PubMed 9536098 (cited by Labcorp Genetics (formerly Invitae), Labcorp).